The following is an entry in ClinVar:

ClinVar aggregate classification (germline): Benign. Review status: criteria provided, multiple submitters, no conflicts (2 of 4 stars). 3 submissions from 3 submitters: Benign (3). Last evaluated 2026-02-03.

Conditions:
Congenital myasthenic syndrome 8. Also called: Myasthenic syndrome, congenital, 8, with pre- and postsynaptic defects; MYASTHENIC SYNDROME, CONGENITAL, DUE TO AGRIN DEFICIENCY. Identifiers: Orphanet 590, MedGen C3808739, MONDO:0014052, OMIM 615120.

Allele frequency attached by ClinVar (database versions not stated): ExAC 0.00341; gnomAD exomes 0.00610; ESP Exome Variant Server 0.01333; 1000 Genomes Project 0.01478; gnomAD 0.01716 and 0.01868; TOPMed 0.02044.
gnomAD v4.1: 5,424 of 1,054,236 alleles (0.51%); highest among the groups gnomAD compares: African/African-American, 7.4%; 119 homozygotes.

Submissions (3):

Labcorp Genetics (formerly Invitae), Labcorp
Classification: Benign for Congenital myasthenic syndrome 8. Last evaluated: 2026-02-03. Review status: criteria provided, single submitter. Criteria: Invitae Variant Classification Sherloc (09022015). Collection method: clinical testing. Allele origin: germline.

GeneDx
Classification: Benign. Last evaluated: 2016-10-26. Review status: criteria provided, single submitter. Criteria: GeneDx Variant Classification (06012015). Collection method: clinical testing. Allele origin: germline. Affected: yes.
Comment: This variant is considered likely benign or benign based on one or more of the following criteria: it is a conservative change, it occurs at a poorly conserved position in the protein, it is predicted to be benign by multiple in silico algorithms, and/or has population frequency not consistent with disease.

Breakthrough Genomics
Classification: Benign. Review status: criteria provided, single submitter. Criteria: ACMG Guidelines, 2015. Collection method: not provided. Allele origin: germline. Inheritance: Autosomal recessive inheritance. Affected: yes.

NM_198576.4(AGRN):c.4298+17C>T

Gene: AGRN (agrin; plus strand). Cytogenetic location: 1p36.33.
Variant type: single nucleotide variant.
Coding change: c.4298+17C>T on transcript NM_198576.4 (MANE Select); 17 bases into the intron after coding-DNA position 4298, C replaced by T.
Molecular consequence: intron variant.
Genome position (GRCh38, 1-based): chr1:1,049,076, C>T. VCF-style: chr1-1049076-C-T. GRCh37 (hg19) VCF-style: chr1-984456-C-T.
Other names: c.4298+17C>T (NM_001305275.2); c.3983+17C>T (NM_001364727.2).
Identifiers: ClinVar variation 387479 (VCV000387479.9), dbSNP rs188005130, ClinGen allele CA509385.